The following is an entry in ClinVar:

NM_002049.4(GATA1):c.599-16_599-14del

Gene: GATA1 (GATA binding protein 1; plus strand). Cytogenetic location: Xp11.23.
Variant type: Microsatellite.
Coding change: c.599-16_599-14del on transcript NM_002049.4 (MANE Select); 16 bases into the intron before coding-DNA position 599 through 14 bases into the intron before coding-DNA position 599, 3 bases deleted (CTC; older notation c.599-16_599-14delCTC).
Molecular consequence: intron variant.
Genome position (GRCh38, 1-based): chrX:48,792,307-48,792,309, CTC deleted; deleting any 3 consecutive bases within chrX:48,792,304-48,792,309 gives the same sequence; the c. name uses the placement nearest the transcript's 3' end. VCF-style (leftmost placement, unchanged base first): chrX-48792303-TCTC-T. GRCh37 (hg19) VCF-style: chrX-48650710-TCTC-T.
Other names: p.?.
Identifiers: ClinVar variation 1599051 (VCV001599051.10), dbSNP rs782736246, ClinGen allele CA10404639.

ClinVar aggregate classification (germline): Benign/Likely benign. Review status: criteria provided, multiple submitters, no conflicts (2 of 4 stars). 3 submissions from 3 submitters: Benign (1); Likely benign (2). Last evaluated 2026-01-29.

Conditions:
GATA binding protein 1 related thrombocytopenia with dyserythropoiesis. Also called: GATA1-Related Cytopenia; GATA1-Related X-Linked Cytopenia. Identifiers: MedGen C1845837, MONDO:0100089.
Diamond-Blackfan anemia. Also called: Blackfan Diamond syndrome; Aregenerative anemia chronic congenital; Red cell aplasia, pure hereditary; Congenital hypoplastic anemia; Aase syndrome. Identifiers: Orphanet 124, MedGen C1260899, MeSH D029503, MONDO:0015253, HP:0004810.

Submissions (3):

Labcorp Genetics (formerly Invitae), Labcorp
Classification: Benign for GATA binding protein 1 related thrombocytopenia with dyserythropoiesis; Diamond-Blackfan anemia. Last evaluated: 2026-01-29. Review status: criteria provided, single submitter. Criteria: Invitae Variant Classification Sherloc (09022015). Collection method: clinical testing. Allele origin: germline.

Mayo Clinic Laboratories, Mayo Clinic
Classification: Likely benign. Last evaluated: 2025-09-02. Review status: criteria provided, single submitter. Criteria: ACMG Guidelines, 2015. Collection method: clinical testing. Allele origin: germline. Observed: 1 variant allele.
Comment: BS2, BP7, PM2_supporting

Blueprint Genetics
Classification: Likely benign. Last evaluated: 2024-10-14. Review status: criteria provided, single submitter. Criteria: ACMG Guidelines, 2015. Collection method: clinical testing. Allele origin: germline.